The following is an entry in ClinVar:

NM_018834.6(MATR3):c.*672G>A

Gene: MATR3 (matrin 3; plus strand). Cytogenetic location: 5q31.2.
Variant type: single nucleotide variant.
Coding change: c.*672G>A on transcript NM_018834.6 (MANE Select); 672 bases downstream of the stop codon, G replaced by A.
Molecular consequence: 3 prime UTR variant.
Genome position (GRCh38, 1-based): chr5:139,330,067, G>A. VCF-style: chr5-139330067-G-A. GRCh37 (hg19) VCF-style: chr5-138665756-G-A.
Other names: c.*672G>A (NM_001194954.2, NM_001194955.2, NM_001194956.2 and 2 more transcripts).
Identifiers: ClinVar variation 351158 (VCV000351158.5), dbSNP rs7305, ClinGen allele CA3433565.

ClinVar aggregate classification (germline): Benign (1 of 4 stars; one submission).

Conditions:
Amyotrophic lateral sclerosis type 21. Also called: VOCAL CORD AND PHARYNGEAL DYSFUNCTION WITH DISTAL MYOPATHY; MYOPATHY, DISTAL, 2. Identifiers: Orphanet 600, Orphanet 803, MedGen C3807521, MONDO:0011632, OMIM 606070.

Allele frequency attached by ClinVar (database versions not stated): 1000 Genomes Project 30x 0.39101; TOPMed 0.48488; gnomAD 0.50625 and 0.50958; gnomAD exomes 0.60012; ExAC 0.62354.
gnomAD v4.1: 270,687 of 454,104 alleles (60%); highest among the groups gnomAD compares: Non-Finnish European, 69%; 86,238 homozygotes.

Submission:

Illumina Laboratory Services, Illumina
Classification: Benign for Amyotrophic lateral sclerosis type 21. Last evaluated: 2018-01-13. Review status: criteria provided, single submitter. Criteria: ICSL Variant Classification Criteria 13 December 2019. Collection method: clinical testing. Allele origin: germline.
Comment: This variant was observed in the ICSL laboratory as part of a predisposition screen in an ostensibly healthy population. It had not been previously curated by ICSL or reported in the Human Gene Mutation Database (HGMD: prior to June 1st, 2018), and was therefore a candidate for classification through an automated scoring system. Utilizing variant allele frequency, disease prevalence and penetrance estimates, and inheritance mode, an automated score was calculated to assess if this variant is too frequent to cause the disease. Based on the score and internal cut-off values, a variant classified as benign is not then subjected to further curation. The score for this variant resulted in a classification of benign for this disease.